The following is an entry in ClinVar:

NM_003718.5(CDK13):c.707_715delinsTCCACAGCA (p.Ser236_Gly239delinsIleHisSerSer)

Gene: CDK13 (cyclin dependent kinase 13; plus strand). Cytogenetic location: 7p14.1.
Variant type: Indel.
Coding change: c.707_715delinsTCCACAGCA on transcript NM_003718.5 (MANE Select); coding-DNA positions 707 to 715, GCCACAGCG replaced by TCCACAGCA.
Protein change: p.Ser236_Gly239delinsIleHisSerSer.
Molecular consequence: missense variant.
Genome position (GRCh38, 1-based): chr7:39,951,348-39,951,356, GCCACAGCG replaced by TCCACAGCA. VCF-style: chr7-39951348-GCCACAGCG-TCCACAGCA. GRCh37 (hg19) VCF-style: chr7-39990947-GCCACAGCG-TCCACAGCA.
Other names: c.707_715delGCCACAGCGinsTCCACAGCA, p.Ser236_Gly239delinsIleHisSerSer (NM_031267.4).
Identifiers: ClinVar variation 1313967 (VCV001313967.2), dbSNP rs2116062113, ClinGen allele CA2573052867.

ClinVar aggregate classification (germline): Uncertain significance (1 of 4 stars; one submission).

Submission:

GeneDx
Classification: Uncertain significance. Last evaluated: 2021-01-07. Review status: criteria provided, single submitter. Criteria: GeneDx Variant Classification Process June 2021. Collection method: clinical testing. Allele origin: germline. Affected: yes.
Comment: Not observed in large population cohorts (Lek et al., 2016); In silico analysis supports that this variant does not alter protein structure/function; Has not been previously published as pathogenic or benign to our knowledge